The following is an entry in ClinVar:

ClinVar aggregate classification (germline): Benign/Likely benign. Review status: criteria provided, multiple submitters, no conflicts (2 of 4 stars). 5 submissions from 5 submitters: Benign (1); Likely benign (3). 1 of the submissions does not count toward it. Last evaluated 2026-06-01.

Conditions:
NBAS-related disorder. Also called: NBAS-related condition.

Allele frequency attached by ClinVar (database versions not stated): gnomAD 0.00400 and 0.00418; ESP Exome Variant Server 0.00446; TOPMed 0.00448; 1000 Genomes Project 0.00599; 1000 Genomes Project 30x 0.00671.
gnomAD v4.1: 1,313 of 1,613,202 alleles (0.081%); highest among the groups gnomAD compares: African/African-American, 1.4%; 6 homozygotes.

Submissions (5):

CeGaT Center for Human Genetics Tuebingen
Classification: Likely benign. Last evaluated: 2026-06-01. Review status: criteria provided, single submitter. Criteria: CeGaT Center For Human Genetics Tuebingen Variant Classification Criteria Version 2. Collection method: clinical testing. Allele origin: germline. Affected: yes. Observed: 2 variant alleles.
Comment: NBAS: BS1

Labcorp Genetics (formerly Invitae), Labcorp
Classification: Benign. Last evaluated: 2026-02-04. Review status: criteria provided, single submitter. Criteria: Invitae Variant Classification Sherloc (09022015). Collection method: clinical testing. Allele origin: germline.

Mayo Clinic Laboratories, Mayo Clinic
Classification: Likely benign. Last evaluated: 2025-11-09. Review status: criteria provided, single submitter. Criteria: ACMG Guidelines, 2015. Collection method: clinical testing. Allele origin: germline. Observed: 2 variant alleles.
Comment: BA1

Blueprint Genetics
Classification: Likely benign. Last evaluated: 2024-10-08. Review status: criteria provided, single submitter. Criteria: ACMG Guidelines, 2015. Collection method: clinical testing. Allele origin: germline.

PreventionGenetics, part of Exact Sciences
Classification: Benign for NBAS-related condition. Last evaluated: 2019-07-15. Review status: no assertion criteria provided. Collection method: clinical testing. Allele origin: germline. Not counted in ClinVar's aggregate classification.
Comment: This variant is classified as benign based on ACMG/AMP sequence variant interpretation guidelines (Richards et al. 2015 PMID: 25741868, with internal and published modifications).

Literature cited by the submitters: PubMed 33270637 (cited by Mayo Clinic Laboratories, Mayo Clinic).

NM_015909.4(NBAS):c.1083+4C>T

Gene: NBAS (NBAS subunit of NRZ tethering complex; minus strand). Cytogenetic location: 2p24.3.
Variant type: single nucleotide variant.
Coding change: c.1083+4C>T on transcript NM_015909.4 (MANE Select); 4 bases into the intron after coding-DNA position 1083, C replaced by T.
Molecular consequence: intron variant.
Genome position (GRCh38, 1-based): chr2:15,488,890, G>A on the plus strand (C>T on the coding strand, the complement: NBAS is on the minus strand). VCF-style: chr2-15488890-G-A. GRCh37 (hg19) VCF-style: chr2-15629014-G-A.
Other names: p.?.
Identifiers: ClinVar variation 712261 (VCV000712261.19), dbSNP rs112852390, ClinGen allele CA1536813.